The following is an entry in ClinVar:

ClinVar aggregate classification (germline): Uncertain significance (1 of 4 stars; one submission).

Conditions:
Hereditary breast ovarian cancer syndrome. Also called: Hereditary breast and ovarian cancer syndrome (HBOC); Hereditary breast and ovarian cancer; Breast and ovarian cancer; Hereditary breast and/or ovarian cancer syndrome; BRCA1- and BRCA2-Associated Hereditary Breast and Ovarian Cancer; Hereditary breast and ovarian cancer syndrome. Identifiers: Orphanet 145, MedGen C0677776, MeSH D061325, MONDO:0003582. Disease mechanism: loss of function.

Submission:

Labcorp Genetics (formerly Invitae), Labcorp
Classification: Uncertain significance for Hereditary breast ovarian cancer syndrome. Last evaluated: 2025-11-13. Review status: criteria provided, single submitter. Criteria: Invitae Variant Classification Sherloc (09022015). Collection method: clinical testing. Allele origin: germline.
Comment: This sequence change replaces serine, which is neutral and polar, with cysteine, which is neutral and slightly polar, at codon 36 of the BRCA2 protein (p.Ser36Cys). This variant is not present in population databases (gnomAD no frequency). This variant has not been reported in the literature in individuals affected with BRCA2-related conditions. Invitae Evidence Modeling of protein sequence and biophysical properties (such as structural, functional, and spatial information, amino acid conservation, physicochemical variation, residue mobility, and thermodynamic stability) indicates that this missense variant is not expected to disrupt BRCA2 protein function with a negative predictive value of 95%. In summary, the available evidence is currently insufficient to determine the role of this variant in disease. Therefore, it has been classified as a Variant of Uncertain Significance.

NM_000059.4(BRCA2):c.107C>G (p.Ser36Cys)

Gene: BRCA2 (BRCA2 DNA repair associated; plus strand). Cytogenetic location: 13q13.1.
Variant type: single nucleotide variant.
Coding change: c.107C>G on transcript NM_000059.4 (MANE Select); coding-DNA position 107, C replaced by G.
Protein change: p.Ser36Cys; replaces serine 36 with cysteine.
Molecular consequence: missense variant. On other transcripts: 5 prime UTR variant (1), non-coding transcript variant (1).
Genome position (GRCh38, 1-based): chr13:32,319,116, C>G. VCF-style: chr13-32319116-C-G. GRCh37 (hg19) VCF-style: chr13-32893253-C-G.
Other names: c.107C>G, p.Ser36Cys (NM_001406719.1, NM_001406720.1, NM_001406721.1 and 1 more transcripts); c.-263C>G (NM_001406722.1); short protein forms S36C.
Identifiers: ClinVar variation 4798102 (VCV004798102.1).